The following is an entry in ClinVar:

ClinVar aggregate classification (germline): Uncertain significance (1 of 4 stars; one submission).

Conditions:
Hereditary cancer-predisposing syndrome. Also called: Hereditary neoplastic syndrome; Hereditary Cancer Syndrome; Neoplastic Syndromes, Hereditary; Tumor predisposition. Identifiers: Orphanet 140162, MedGen C0027672, MeSH D009386, MONDO:0015356.

Submission:

Color Diagnostics, LLC DBA Color Health
Classification: Uncertain significance for Hereditary cancer-predisposing syndrome. Last evaluated: 2022-11-21. Review status: criteria provided, single submitter. Criteria: ACMG Guidelines, 2015. Collection method: clinical testing. Allele origin: germline.
Comment: This single nucleotide variant changes the translational stop signal of the APC gene to tyrosine. Translation read-through is expected to extend the length of the APC protein by 27 additional amino acids. To our knowledge, functional studies have not been reported for this variant. This variant has not been reported in individuals affected with APC-related disorders in the literature. This variant has not been identified in the general population by the Genome Aggregation Database (gnomAD). The available evidence is insufficient to determine the role of this variant in disease conclusively. Therefore, this variant is classified as a Variant of Uncertain Significance.

NM_000038.6(APC):c.8532A>C (p.Ter2844Tyr)

Gene: APC (APC regulator of Wnt signaling pathway; plus strand). Cytogenetic location: 5q22.2.
Variant type: single nucleotide variant.
Coding change: c.8532A>C on transcript NM_000038.6 (MANE Select); coding-DNA position 8532, A replaced by C.
Protein change: p.Ter2844Tyr.
Molecular consequence: stop lost. On other transcripts: non-coding transcript variant (2).
Genome position (GRCh38, 1-based): chr5:112,844,126, A>C. VCF-style: chr5-112844126-A-C. GRCh37 (hg19) VCF-style: chr5-112179823-A-C.
Other names: c.8532A>C, p.Ter2844Tyr (NM_001127510.3, NM_001354895.2, NM_001407450.1); c.8478A>C, p.Ter2826Tyr (NM_001127511.3); c.8586A>C, p.Ter2862Tyr (NM_001354896.2, NM_001407447.1, NM_001407448.1 and 1 more transcripts); c.8562A>C, p.Ter2854Tyr (NM_001354897.2); c.8457A>C, p.Ter2819Tyr (NM_001354898.2); c.8448A>C, p.Ter2816Tyr (NM_001354899.2); c.8409A>C, p.Ter2803Tyr (NM_001354900.2); c.8355A>C, p.Ter2785Tyr (NM_001354901.2, NM_001407453.1); and 11 more.
Identifiers: ClinVar variation 2773798 (VCV002773798.2), dbSNP rs2150007018, ClinGen allele CA360714782.